The following is an entry in ClinVar:

ClinVar aggregate classification (germline): Likely pathogenic (1 of 4 stars; one submission).

Conditions:
Charlevoix-Saguenay spastic ataxia (SACS). Also called: AUTOSOMAL RECESSIVE SPASTIC ATAXIA OF CHARLEVOIX-SAGUENAY; Spastic ataxia of Charlevoix-Saguenay; SPASTIC ATAXIA 6, AUTOSOMAL RECESSIVE. Identifiers: Orphanet 98, MedGen C1849140, MONDO:0010041, OMIM 270550.

Submission:

Natera, Inc.
Classification: Likely pathogenic for Charlevoix-Saguenay type spastic ataxia. Last evaluated: 2025-09-03. Review status: criteria provided, single submitter. Criteria: Natera Variant Classification Schema (03/2026). Collection method: clinical testing. Allele origin: germline.
Comment: The c.110_111delGT variant in SACS is a frameshift variant predicted to shift the reading frame beginning at codon 37 and leads to a stop codon 23 codons downstream. This variant is expected to result in nonsense mediated decay, truncation, or a dysfunctional protein product. This variant is rare in the general population with a frequency below the threshold expected for the associated phenotype(s). Given the available evidence, this variant is classified as Likely Pathogenic.

NM_014363.6(SACS):c.110_111del (p.Arg37fs)

Genes: SACS (sacsin molecular chaperone; minus strand), LOC130009366 (ATAC-STARR-seq lymphoblastoid silent region 5172; plus strand). Cytogenetic location: 13q12.12.
Variant type: Deletion.
Coding change: c.110_111del on transcript NM_014363.6 (MANE Select); coding-DNA positions 110 to 111, 2 bases deleted (GT; older notation c.110_111delGT).
Protein change: p.Arg37fs; shifts the reading frame from arginine 37.
Molecular consequence: frameshift variant. On other transcripts: 5 prime UTR variant (1).
Genome position (GRCh38, 1-based): chr13:23,375,179-23,375,180, AC deleted on the plus strand (GT on the coding strand, the reverse complement: SACS is on the minus strand). VCF-style (leftmost placement, unchanged base first): chr13-23375178-TAC-T. GRCh37 (hg19) VCF-style: chr13-23949317-TAC-T.
Other names: c.-244_-243del (NM_001278055.2); c.110_111del, p.Arg37fs (NM_001437336.1); short protein forms R37fs.
Identifiers: ClinVar variation 4815670 (VCV004815670.1).